The following is an entry in ClinVar:

ClinVar aggregate classification (germline): Uncertain significance (1 of 4 stars; one submission).

Submission:

Labcorp Genetics (formerly Invitae), Labcorp
Classification: Uncertain significance. Last evaluated: 2021-05-14. Review status: criteria provided, single submitter. Criteria: Invitae Variant Classification Sherloc (09022015). Collection method: clinical testing. Allele origin: germline.
Comment: Algorithms developed to predict the effect of missense changes on protein structure and function (SIFT, PolyPhen-2, Align-GVGD) all suggest that this variant is likely to be disruptive, but these predictions have not been confirmed by published functional studies and their clinical significance is uncertain. In summary, the available evidence is currently insufficient to determine the role of this variant in disease. Therefore, it has been classified as a Variant of Uncertain Significance. This variant has not been reported in the literature in individuals with IFT57-related conditions. This variant is not present in population databases (ExAC no frequency). This sequence change replaces glutamic acid with glycine at codon 298 of the IFT57 protein (p.Glu298Gly). The glutamic acid residue is highly conserved and there is a moderate physicochemical difference between glutamic acid and glycine.

NM_018010.4(IFT57):c.893A>G (p.Glu298Gly)

Gene: IFT57 (intraflagellar transport 57; minus strand). Cytogenetic location: 3q13.12.
Variant type: single nucleotide variant.
Coding change: c.893A>G on transcript NM_018010.4 (MANE Select); coding-DNA position 893, A replaced by G.
Protein change: p.Glu298Gly; replaces glutamic acid 298 with glycine.
Molecular consequence: missense variant.
Genome position (GRCh38, 1-based): chr3:108,166,942, T>C on the plus strand (A>G on the coding strand, the complement: IFT57 is on the minus strand). VCF-style: chr3-108166942-T-C. GRCh37 (hg19) VCF-style: chr3-107885789-T-C.
Other names: short protein forms E298G.
Identifiers: ClinVar variation 1365264 (VCV001365264.8), dbSNP rs2108307937, ClinGen allele CA353913966.